The following is an entry in ClinVar:

ClinVar aggregate classification (germline): Benign. Review status: criteria provided, multiple submitters, no conflicts (2 of 4 stars). 2 submissions from 2 submitters: Benign (2). Last evaluated 2018-06-14.

Allele frequency attached by ClinVar (database versions not stated): 1000 Genomes Project 0.24561; 1000 Genomes Project 30x 0.24578; gnomAD 0.25760; TOPMed 0.27288; gnomAD exomes 0.29798.
gnomAD v4.1: 420,138 of 1,424,194 alleles (30%); highest among the groups gnomAD compares: Middle Eastern, 41%; 64,138 homozygotes.

Submissions (2):

GeneDx
Classification: Benign. Last evaluated: 2018-06-14. Review status: criteria provided, single submitter. Criteria: GeneDx Variant Classification (06012015). Collection method: clinical testing. Allele origin: germline. Affected: yes.
Comment: This variant is considered likely benign or benign based on one or more of the following criteria: it is a conservative change, it occurs at a poorly conserved position in the protein, it is predicted to be benign by multiple in silico algorithms, and/or has population frequency not consistent with disease.

Breakthrough Genomics
Classification: Benign. Review status: criteria provided, single submitter. Criteria: ACMG Guidelines, 2015. Collection method: not provided. Allele origin: germline. Inheritance: Autosomal recessive inheritance. Affected: yes.

NM_015340.4(LARS2):c.2214+57C>T

Gene: LARS2 (leucyl-tRNA synthetase 2, mitochondrial; plus strand). Cytogenetic location: 3p21.31.
Variant type: single nucleotide variant.
Coding change: c.2214+57C>T on transcript NM_015340.4 (MANE Select); 57 bases into the intron after coding-DNA position 2214, C replaced by T.
Molecular consequence: intron variant.
Genome position (GRCh38, 1-based): chr3:45,518,129, C>T. VCF-style: chr3-45518129-C-T. GRCh37 (hg19) VCF-style: chr3-45559621-C-T.
Other names: c.2214+57C>T (NM_001368263.1).
Identifiers: ClinVar variation 676144 (VCV000676144.2), dbSNP rs2276860, ClinGen allele CA11404239.